The following is an entry in ClinVar:

ClinVar aggregate classification (germline): Uncertain significance (1 of 4 stars; one submission).

Conditions:
Hereditary cancer-predisposing syndrome. Also called: Neoplastic Syndromes, Hereditary; Tumor predisposition; Hereditary neoplastic syndrome; Hereditary Cancer Syndrome. Identifiers: Orphanet 140162, MedGen C0027672, MeSH D009386, MONDO:0015356.

Submission:

Ambry Genetics
Classification: Uncertain significance for Hereditary cancer-predisposing syndrome. Last evaluated: 2026-08-29. Review status: criteria provided, single submitter. Criteria: Ambry Variant Classification Scheme 2023. Collection method: clinical testing. Allele origin: germline.
Comment: The p.P1140A variant (also known as c.3418C>G), located in coding exon 21 of the TSC1 gene, results from a C to G substitution at nucleotide position 3418. The proline at codon 1140 is replaced by alanine, an amino acid with highly similar properties. This amino acid position is conserved. In addition, this alteration is predicted to be tolerated by in silico analysis. Based on the available evidence, the clinical significance of this variant remains unclear.

NM_000368.5(TSC1):c.3418C>G (p.Pro1140Ala)

Gene: TSC1 (TSC complex subunit 1; minus strand). Cytogenetic location: 9q34.13.
Variant type: single nucleotide variant.
Coding change: c.3418C>G on transcript NM_000368.5 (MANE Select); coding-DNA position 3418, C replaced by G.
Protein change: p.Pro1140Ala; replaces proline 1140 with alanine.
Molecular consequence: missense variant. On other transcripts: non-coding transcript variant (5).
Genome position (GRCh38, 1-based): chr9:132,896,312, G>C on the plus strand (C>G on the coding strand, the complement: TSC1 is on the minus strand). VCF-style: chr9-132896312-G-C. GRCh37 (hg19) VCF-style: chr9-135771699-G-C.
Other names: c.3418C>G, p.Pro1140Ala (NM_001406596.1, NM_001406592.1, NM_001406593.1 and 2 more transcripts); c.3415C>G, p.Pro1139Ala (NM_001406597.1, NM_001406598.1, NM_001406599.1 and 2 more transcripts); c.3403C>G, p.Pro1135Ala (NM_001406601.1, NM_001406602.1); c.3400C>G, p.Pro1134Ala (NM_001406603.1, NM_001406604.1); c.3376C>G, p.Pro1126Ala (NM_001406605.1, NM_001406606.1, NM_001406607.1); c.3373C>G, p.Pro1125Ala (NM_001406608.1, NM_001406609.1); c.3265C>G, p.Pro1089Ala (NM_001406610.1, NM_001162427.2); c.3262C>G, p.Pro1088Ala (NM_001406611.1, NM_001406612.1); and 8 more; short protein forms P1019A, P1088A, P1126A, P1135A, P789A, P823A, P1004A, P1074A.
Identifiers: ClinVar variation 5031266 (VCV005031266.1).